The following is an entry in ClinVar:

NM_177438.3(DICER1):c.5257G>A (p.Asp1753Asn)

Gene: DICER1 (dicer 1, ribonuclease III; minus strand). Cytogenetic location: 14q32.13.
Variant type: single nucleotide variant.
Coding change: c.5257G>A on transcript NM_177438.3 (MANE Select); coding-DNA position 5257, G replaced by A.
Protein change: p.Asp1753Asn; replaces aspartic acid 1753 with asparagine.
Molecular consequence: missense variant.
Genome position (GRCh38, 1-based): chr14:95,093,995, C>T on the plus strand (G>A on the coding strand, the complement: DICER1 is on the minus strand). VCF-style: chr14-95093995-C-T. GRCh37 (hg19) VCF-style: chr14-95560332-C-T.
Other names: NM_177438.3(DICER1):c.5257G>A; p.Asp1753Asn; c.5257G>A, p.Asp1753Asn (NM_001195573.1, NM_001271282.3, NM_001291628.2 and 1 more transcripts); short protein forms D1753N.
Identifiers: ClinVar variation 477251 (VCV000477251.21), dbSNP rs1460430963, ClinGen allele CA390865107.

ClinVar aggregate classification (germline): Uncertain significance. Review status: reviewed by expert panel (3 of 4 stars). 7 submissions from 7 submitters: Uncertain significance (1). 6 of the submissions do not count toward it. Last evaluated 2025-08-26.

Conditions:
DICER1-related disorder. Also called: DICER1-related condition.
Global developmental delay - lung cysts - overgrowth - Wilms tumor syndrome. Also called: GLOBAL DEVELOPMENTAL DELAY, LUNG CYSTS, OVERGROWTH, AND WILMS TUMOR; GLOW Syndrome. Identifiers: Orphanet 404476, MedGen C4748924, MONDO:0018445, OMIM 618272.
DICER1-related tumor predisposition. Also called: DICER1 syndrome; DICER1-related pleuropulmonary blastoma cancer predisposition syndrome. Identifiers: Orphanet 284343, MedGen C3839822, MONDO:0100216.
Hereditary cancer-predisposing syndrome. Also called: Neoplastic Syndromes, Hereditary; Hereditary Cancer Syndrome; Tumor predisposition; Hereditary neoplastic syndrome. Identifiers: Orphanet 140162, MedGen C0027672, MeSH D009386, MONDO:0015356.

Allele frequency attached by ClinVar (database versions not stated): gnomAD exomes 0.00001; TOPMed 0.00001.
gnomAD v4.1: 10 of 1,614,066 alleles (0.00062%); highest among the groups gnomAD compares: East Asian, 0.0022%; no homozygotes.

Submissions (7):

ClinGen DICER1 and miRNA-Processing Gene Variant Curation Expert Panel, ClinGen
Classification: Uncertain significance for DICER1-related tumor predisposition. Last evaluated: 2025-08-26. Review status: reviewed by expert panel. Criteria: ClinGen DICER1 ACMG Specifications DICER1 V1.4.0. Collection method: curation. Allele origin: germline. Inheritance: Autosomal dominant inheritance.
Comment: The NM_177438.2:c.5257G>A variant in DICER1 is a missense variant predicted to cause substitution of aspartic acid by asparagine at amino acid 1753 (p.Asp1753Asn). Although this variant has been observed in individuals undergoing genetic sequencing, to our knowledge, this variant has not been reported in individuals with DICER1-related tumor predisposition (PS4 not met; Internal lab contributors). This variant is absent from gnomAD v4.1.0 (PM2_Supporting). In silico tools predict no damaging impact of the variant on protein function (REVEL: 0.431; MaxEntScan and SpliceAI: no effect on splicing) (BP4). This variant resides within the RNase IIIb mutational hotspot domain with critical functionality as defined by the ClinGen DICER1 VCEP (PM1_Supporting; PMID: 31342592). This variant has been seen in 10 or more unrelated females without tumors through age 50 in at least one testing laboratory (BS2_Supporting; Internal lab contributors). In summary, this variant meets the criteria to be classified as Uncertain Significance for DICER1-related tumor predisposition based on the ACMG/AMP criteria applied, as specified by the ClinGen DICER1 VCEP: PM2_Supporting, BP4, PM1_Supporting, BS2_Supporting. (Bayesian Points: 0; VCEP specifications version 1.4.0; 08/26/2025)

PreventionGenetics, part of Exact Sciences
Classification: Uncertain significance for DICER1-related condition. Last evaluated: 2025-12-16. Review status: criteria provided, single submitter. Criteria: ACMG Guidelines, 2015. Collection method: clinical testing. Allele origin: germline. Not counted in ClinVar's aggregate classification.
Comment: The DICER1 c.5257G>A variant is predicted to result in the amino acid substitution p.Asp1753Asn. To our knowledge, this variant has not been reported in the literature or in a large population database (gnomAD), indicating this variant is rare. This variant is interpreted as uncertain in ClinVar (Variation ID: 477251). At this time, the clinical significance of this variant is uncertain due to the absence of conclusive functional and genetic evidence.

Labcorp Genetics (formerly Invitae), Labcorp
Classification: Uncertain significance for DICER1-related tumor predisposition. Last evaluated: 2025-10-26. Review status: criteria provided, single submitter. Criteria: Invitae Variant Classification Sherloc (09022015). Collection method: clinical testing. Allele origin: germline. Not counted in ClinVar's aggregate classification.
Comment: This sequence change replaces aspartic acid, which is acidic and polar, with asparagine, which is neutral and polar, at codon 1753 of the DICER1 protein (p.Asp1753Asn). This variant is not present in population databases (gnomAD no frequency). This variant has not been reported in the literature in individuals affected with DICER1-related conditions. ClinVar contains an entry for this variant (Variation ID: 477251). Invitae Evidence Modeling of protein sequence and biophysical properties (such as structural, functional, and spatial information, amino acid conservation, physicochemical variation, residue mobility, and thermodynamic stability) indicates that this missense variant is not expected to disrupt DICER1 protein function with a negative predictive value of 95%. In summary, the available evidence is currently insufficient to determine the role of this variant in disease. Therefore, it has been classified as a Variant of Uncertain Significance.

Ambry Genetics
Classification: Uncertain significance for Hereditary cancer-predisposing syndrome. Last evaluated: 2025-09-20. Review status: criteria provided, single submitter. Criteria: Ambry Variant Classification Scheme 2023. Collection method: clinical testing. Allele origin: germline. Not counted in ClinVar's aggregate classification.
Comment: The p.D1753N variant (also known as c.5257G>A), located in coding exon 23 of the DICER1 gene, results from a G to A substitution at nucleotide position 5257. The aspartic acid at codon 1753 is replaced by asparagine, an amino acid with highly similar properties. This amino acid position is highly conserved in available vertebrate species. In addition, this alteration is predicted to be tolerated by in silico analysis. Since supporting evidence is limited at this time, the clinical significance of this alteration remains unclear.

GeneDx
Classification: Uncertain significance. Last evaluated: 2024-02-25. Review status: criteria provided, single submitter. Criteria: GeneDx Variant Classification Process June 2021. Collection method: clinical testing. Allele origin: germline. Affected: yes. Not counted in ClinVar's aggregate classification.
Comment: Not observed at significant frequency in large population cohorts (gnomAD); In silico analysis supports that this missense variant does not alter protein structure/function; Has not been previously published as pathogenic or benign to our knowledge

Baylor Genetics
Classification: Uncertain significance for Global developmental delay - lung cysts - overgrowth - Wilms tumor syndrome. Last evaluated: 2023-11-14. Review status: criteria provided, single submitter. Criteria: ACMG Guidelines, 2015. Collection method: clinical testing. Allele origin: unknown. Not counted in ClinVar's aggregate classification.

Quest Diagnostics Nichols Institute San Juan Capistrano
Classification: Uncertain significance. Last evaluated: 2023-07-21. Review status: criteria provided, single submitter. Criteria: Quest Diagnostics criteria. Collection method: clinical testing. Allele origin: unknown. Not counted in ClinVar's aggregate classification.
Comment: This variant has not been reported in the published literature. It also has not been reported in large, multi-ethnic general populations (Genome Aggregation Database). Analysis of this variant using bioinformatics tools for the prediction of the effect of amino acid changes on protein structure and function yielded conflicting predictions that this variant is benign or damaging. Based on the available information, we are unable to determine the clinical significance of this variant.